The following is an entry in ClinVar:

ClinVar aggregate classification (germline): Uncertain significance (1 of 4 stars; one submission).

Conditions:
Duchenne muscular dystrophy (DMD). Also called: MUSCULAR DYSTROPHY, PSEUDOHYPERTROPHIC PROGRESSIVE, DUCHENNE TYPE; Duchenne Muscular Dystrophy (DMD). Identifiers: Orphanet 98896, MedGen C0013264, MONDO:0010679, OMIM 310200.

Submission:

Labcorp Genetics (formerly Invitae), Labcorp
Classification: Uncertain significance for Duchenne muscular dystrophy. Last evaluated: 2022-07-19. Review status: criteria provided, single submitter. Criteria: Invitae Variant Classification Sherloc (09022015). Collection method: clinical testing. Allele origin: germline.
Comment: Algorithms developed to predict the effect of missense changes on protein structure and function are either unavailable or do not agree on the potential impact of this missense change (SIFT: "Tolerated"; PolyPhen-2: "Probably Damaging"; Align-GVGD: "Class C0"). This sequence change replaces lysine, which is basic and polar, with glutamic acid, which is acidic and polar, at codon 1188 of the DMD protein (p.Lys1188Glu). This variant is not present in population databases (gnomAD no frequency). This variant has not been reported in the literature in individuals affected with DMD-related conditions. ClinVar contains an entry for this variant (Variation ID: 1367930). In summary, the available evidence is currently insufficient to determine the role of this variant in disease. Therefore, it has been classified as a Variant of Uncertain Significance.

NM_004006.3(DMD):c.3562A>G (p.Lys1188Glu)

Gene: DMD (dystrophin; minus strand). Cytogenetic location: Xp21.1.
Variant type: single nucleotide variant.
Coding change: c.3562A>G on transcript NM_004006.3 (MANE Select); coding-DNA position 3562, A replaced by G.
Protein change: p.Lys1188Glu; replaces lysine 1188 with glutamic acid.
Molecular consequence: missense variant.
Genome position (GRCh38, 1-based): chrX:32,454,703, T>C on the plus strand (A>G on the coding strand, the complement: DMD is on the minus strand). VCF-style: chrX-32454703-T-C. GRCh37 (hg19) VCF-style: chrX-32472820-T-C.
Other names: c.3538A>G, p.Lys1180Glu (NM_000109.4); c.3550A>G, p.Lys1184Glu (NM_004009.3); c.3193A>G, p.Lys1065Glu (NM_004010.3); short protein forms K1180E, K1065E, K1188E, K1184E.
Identifiers: ClinVar variation 1367930 (VCV001367930.8), dbSNP rs2148348451, ClinGen allele CA412662971.